The following is an entry in ClinVar:

NM_020719.3(PRR12):c.831G>A (p.Pro277=)

Gene: PRR12 (proline rich 12; plus strand). Cytogenetic location: 19q13.33.
Variant type: single nucleotide variant.
Coding change: c.831G>A on transcript NM_020719.3 (MANE Select); coding-DNA position 831, G replaced by A.
Protein change: p.Pro277=; no amino-acid change (proline 277 retained).
Molecular consequence: synonymous variant.
Genome position (GRCh38, 1-based): chr19:49,595,166, G>A. VCF-style: chr19-49595166-G-A. GRCh37 (hg19) VCF-style: chr19-50098423-G-A.
Other names: c.831G>A (NM_020719.2).
Identifiers: ClinVar variation 1326596 (VCV001326596.5), dbSNP rs12462756, ClinGen allele CA9577755.

ClinVar aggregate classification (germline): Benign. Review status: criteria provided, multiple submitters, no conflicts (2 of 4 stars). 3 submissions from 3 submitters: Benign (2). 1 of the submissions does not count toward it. Last evaluated 2021-11-28.

Conditions:
PRR12-related disorder. Also called: PRR12-related condition.

Allele frequency attached by ClinVar (database versions not stated): gnomAD exomes 0.18960 and 0.22774; ESP Exome Variant Server 0.22955; ExAC 0.25966; gnomAD 0.26339 and 0.26427; TOPMed 0.27873; 1000 Genomes Project 0.29812; 1000 Genomes Project 30x 0.30575.
gnomAD v4.1: 317,334 of 1,608,952 alleles (20%); highest among the groups gnomAD compares: African/African-American, 45%; 35,584 homozygotes.

Submissions (3):

GeneDx
Classification: Benign. Last evaluated: 2021-11-28. Review status: criteria provided, single submitter. Criteria: GeneDx Variant Classification Process June 2021. Collection method: clinical testing. Allele origin: germline. Affected: yes.

Breakthrough Genomics
Classification: Benign. Review status: criteria provided, single submitter. Criteria: ACMG Guidelines, 2015. Collection method: not provided. Allele origin: germline. Inheritance: Autosomal dominant inheritance. Affected: yes.

PreventionGenetics, part of Exact Sciences
Classification: Benign for PRR12-related condition. Last evaluated: 2019-10-21. Review status: no assertion criteria provided. Collection method: clinical testing. Allele origin: germline. Not counted in ClinVar's aggregate classification.
Comment: This variant is classified as benign based on ACMG/AMP sequence variant interpretation guidelines (Richards et al. 2015 PMID: 25741868, with internal and published modifications).